The following is an entry in ClinVar:

ClinVar aggregate classification (germline): Uncertain significance. Review status: criteria provided, multiple submitters, no conflicts (2 of 4 stars). 4 submissions from 4 submitters: Uncertain significance (2). 2 of the submissions do not count toward it. Last evaluated 2023-08-01.

Conditions:
Autosomal recessive limb-girdle muscular dystrophy type 2J (LGMDR10). Also called: Limb-girdle muscular dystrophy, type 2J; MUSCULAR DYSTROPHY, LIMB-GIRDLE, AUTOSOMAL RECESSIVE 10. Identifiers: Orphanet 140922, MedGen C1837342, MONDO:0012127, OMIM 608807.
Dilated cardiomyopathy 1G (CMD1G). Identifiers: Orphanet 154, MedGen C1858763, MONDO:0011400, OMIM 604145.

Allele frequency attached by ClinVar (database versions not stated): TOPMed below 0.00001; gnomAD 0.00001; gnomAD exomes 0.00001 and 0.00002.
gnomAD v4.1: 27 of 1,610,998 alleles (0.0017%); highest among the groups gnomAD compares: African/African-American, 0.0027%; no homozygotes.

Submissions (4):

CeGaT Center for Human Genetics Tuebingen
Classification: Uncertain significance. Last evaluated: 2023-08-01. Review status: criteria provided, single submitter. Criteria: CeGaT Center For Human Genetics Tuebingen Variant Classification Criteria Version 2. Collection method: clinical testing. Allele origin: germline. Affected: yes. Observed: 1 variant allele.
Comment: TTN: PM2

Labcorp Genetics (formerly Invitae), Labcorp
Classification: Uncertain significance for Dilated cardiomyopathy 1G; Autosomal recessive limb-girdle muscular dystrophy type 2J. Last evaluated: 2016-08-10. Review status: criteria provided, single submitter. Criteria: Invitae Variant Classification Sherloc (09022015). Collection method: clinical testing. Allele origin: germline.

Clinical Genetics DNA and cytogenetics Diagnostics Lab, Erasmus MC, Erasmus Medical Center
Classification: Uncertain significance. Review status: no assertion criteria provided. Collection method: clinical testing. Allele origin: germline. Affected: yes. Study: VKGL Data-share Consensus. Not counted in ClinVar's aggregate classification.

Clinical Genetics, Academic Medical Center
Classification: Uncertain significance. Review status: no assertion criteria provided. Collection method: clinical testing. Allele origin: germline. Affected: yes. Study: VKGL Data-share Consensus. Not counted in ClinVar's aggregate classification.

NM_001267550.2(TTN):c.52135G>C (p.Glu17379Gln)

Genes: TTN (titin; minus strand), TTN-AS1 (TTN antisense RNA 1; plus strand). Cytogenetic location: 2q31.2.
Variant type: single nucleotide variant.
Coding change: c.52135G>C on transcript NM_001267550.2 (MANE Select); coding-DNA position 52135, G replaced by C.
Protein change: p.Glu17379Gln; replaces glutamic acid 17379 with glutamine.
Molecular consequence: missense variant.
Genome position (GRCh38, 1-based): chr2:178,608,876, C>G on the plus strand (G>C on the coding strand, the complement: TTN is on the minus strand). VCF-style: chr2-178608876-C-G. GRCh37 (hg19) VCF-style: chr2-179473603-C-G.
Other names: c.47212G>C, p.Glu15738Gln (NM_001256850.1); c.24940G>C, p.Glu8314Gln (NM_003319.4); c.44431G>C, p.Glu14811Gln (NM_133378.4); c.25315G>C, p.Glu8439Gln (NM_133432.3); c.25516G>C, p.Glu8506Gln (NM_133437.4); short protein forms E17379Q, E14811Q, E8314Q, E8439Q, E8506Q, E15738Q.
Identifiers: ClinVar variation 405126 (VCV000405126.30), dbSNP rs770795675, ClinGen allele CA16610478.